The following is an entry in ClinVar:

NM_000067.3(CA2):c.709G>A (p.Glu237Lys)

Gene: CA2 (carbonic anhydrase 2; plus strand). Cytogenetic location: 8q21.2.
Variant type: single nucleotide variant.
Coding change: c.709G>A on transcript NM_000067.3 (MANE Select); coding-DNA position 709, G replaced by A.
Protein change: p.Glu237Lys; replaces glutamic acid 237 with lysine.
Molecular consequence: missense variant.
Genome position (GRCh38, 1-based): chr8:85,480,715, G>A. VCF-style: chr8-85480715-G-A. GRCh37 (hg19) VCF-style: chr8-86392944-G-A.
Other names: c.406G>A, p.Glu136Lys (NM_001293675.2); short protein forms E237K, E136K.
Identifiers: ClinVar variation 1517076 (VCV001517076.7), dbSNP rs143666045, ClinGen allele CA4796624.

ClinVar aggregate classification (germline): Uncertain significance. Review status: criteria provided, multiple submitters, no conflicts (2 of 4 stars). 2 submissions from 2 submitters: Uncertain significance (2). Last evaluated 2024-04-30.

Conditions:
Osteopetrosis with renal tubular acidosis (OPTB3). Also called: Autosomal recessive osteopetrosis 3. Identifiers: Orphanet 2785, MedGen C0345407, MONDO:0009818, OMIM 259730.

Allele frequency attached by ClinVar (database versions not stated): gnomAD 0.00007 and 0.00008; ESP Exome Variant Server 0.00008; gnomAD exomes 0.00009 and 0.00020; TOPMed 0.00012; ExAC 0.00031.
gnomAD v4.1: 144 of 1,613,848 alleles (0.0089%); highest among the groups gnomAD compares: Admixed American, 0.037%; no homozygotes.

Submissions (2):

Fulgent Genetics
Classification: Uncertain significance for Osteopetrosis with renal tubular acidosis. Last evaluated: 2024-04-30. Review status: criteria provided, single submitter. Criteria: ACMG Guidelines, 2015. Collection method: clinical testing. Allele origin: germline.

Labcorp Genetics (formerly Invitae), Labcorp
Classification: Uncertain significance. Last evaluated: 2021-08-27. Review status: criteria provided, single submitter. Criteria: Invitae Variant Classification Sherloc (09022015). Collection method: clinical testing. Allele origin: germline.
Comment: This sequence change replaces glutamic acid with lysine at codon 237 of the CA2 protein (p.Glu237Lys). The glutamic acid residue is moderately conserved and there is a small physicochemical difference between glutamic acid and lysine. This variant is present in population databases (rs143666045, ExAC 0.05%). This variant has not been reported in the literature in individuals affected with CA2-related conditions. Algorithms developed to predict the effect of missense changes on protein structure and function (SIFT, PolyPhen-2, Align-GVGD) all suggest that this variant is likely to be tolerated. In summary, the available evidence is currently insufficient to determine the role of this variant in disease. Therefore, it has been classified as a Variant of Uncertain Significance.